The following is an entry in ClinVar:

NM_001776.6(ENTPD1):c.24C>T (p.Asn8=)

Genes: ENTPD1-AS1 (ENTPD1 antisense RNA 1; minus strand), ENTPD1 (ectonucleoside triphosphate diphosphohydrolase 1; plus strand). Cytogenetic location: 10q24.1.
Variant type: single nucleotide variant.
Coding change: c.24C>T on transcript NM_001776.6 (MANE Select); coding-DNA position 24, C replaced by T.
Protein change: p.Asn8=; no amino-acid change (asparagine 8 retained).
Molecular consequence: synonymous variant. On other transcripts: 5 prime UTR variant (2), intron variant (2).
Genome position (GRCh38, 1-based): chr10:95,823,244, C>T. VCF-style: chr10-95823244-C-T. GRCh37 (hg19) VCF-style: chr10-97583001-C-T.
Other names: c.45C>T, p.Asn15= (NM_001098175.2); c.60C>T, p.Asn20= (NM_001164178.1, NM_001320916.1); c.24C>T, p.Asn8= (NM_001164179.2); c.-240C>T (NM_001164182.2); c.-122C>T (NM_001164183.2); c.-181+12438C>T (NM_001312654.1); c.-180-16447C>T (NM_001164181.1); c.24C>T (NM_001776.5).
Identifiers: ClinVar variation 1654089 (VCV001654089.10), dbSNP rs368856010, ClinGen allele CA5621307.

ClinVar aggregate classification (germline): Likely benign. Review status: criteria provided, single submitter (1 of 4 stars). 2 submissions from 2 submitters: Likely benign (1). 1 of the submissions does not count toward it. Last evaluated 2023-02-01.

Conditions:
ENTPD1-related disorder. Also called: ENTPD1-related condition.
Hereditary spastic paraplegia 64. Also called: Spastic paraplegia 64, autosomal recessive; ENTPD1-Related Neurodevelopmental Disorder. Identifiers: Orphanet 401810, MedGen C3810289, MONDO:0014303, OMIM 615683.

Allele frequency attached by ClinVar (database versions not stated): gnomAD 0.00004; TOPMed 0.00004; ESP Exome Variant Server 0.00015.
gnomAD v4.1: 567 of 1,613,944 alleles (0.035%); highest among the groups gnomAD compares: Non-Finnish European, 0.047%; no homozygotes.

Submissions (2):

Labcorp Genetics (formerly Invitae), Labcorp
Classification: Likely benign for Hereditary spastic paraplegia 64. Last evaluated: 2023-02-01. Review status: criteria provided, single submitter. Criteria: Invitae Variant Classification Sherloc (09022015). Collection method: clinical testing. Allele origin: germline.

PreventionGenetics, part of Exact Sciences
Classification: Likely benign for ENTPD1-related condition. Last evaluated: 2019-06-19. Review status: no assertion criteria provided. Collection method: clinical testing. Allele origin: germline. Not counted in ClinVar's aggregate classification.
Comment: This variant is classified as likely benign based on ACMG/AMP sequence variant interpretation guidelines (Richards et al. 2015 PMID: 25741868, with internal and published modifications).